The following is an entry in ClinVar:

ClinVar aggregate classification (germline): Uncertain significance (1 of 4 stars; one submission).

Submission:

Labcorp Genetics (formerly Invitae), Labcorp
Classification: Uncertain significance. Last evaluated: 2024-12-08. Review status: criteria provided, single submitter. Criteria: Invitae Variant Classification Sherloc (09022015). Collection method: clinical testing. Allele origin: germline.
Comment: This sequence change replaces lysine, which is basic and polar, with threonine, which is neutral and polar, at codon 464 of the PRKCSH protein (p.Lys464Thr). This variant is not present in population databases (gnomAD no frequency). This variant has not been reported in the literature in individuals affected with PRKCSH-related conditions. An algorithm developed to predict the effect of missense changes on protein structure and function (PolyPhen-2) suggests that this variant is likely to be disruptive. In summary, the available evidence is currently insufficient to determine the role of this variant in disease. Therefore, it has been classified as a Variant of Uncertain Significance.

NM_001289104.2(PRKCSH):c.1412A>C (p.Lys471Thr)

Gene: PRKCSH (PRKCSH beta subunit of glucosidase II; plus strand). Cytogenetic location: 19p13.2.
Variant type: single nucleotide variant.
Coding change: c.1412A>C on transcript NM_001289104.2 (MANE Select); coding-DNA position 1412, A replaced by C.
Protein change: p.Lys471Thr; replaces lysine 471 with threonine.
Molecular consequence: missense variant.
Genome position (GRCh38, 1-based): chr19:11,449,126, A>C. VCF-style: chr19-11449126-A-C. GRCh37 (hg19) VCF-style: chr19-11559941-A-C.
Other names: c.1382A>C, p.Lys461Thr (NM_001001329.3, NM_001289102.2, NM_001379609.1); c.1412A>C, p.Lys471Thr (NM_001289103.2); c.1391A>C, p.Lys464Thr (NM_001379608.1, NM_002743.3); short protein forms K461T, K464T, K471T.
Identifiers: ClinVar variation 3726912 (VCV003726912.2).